The following is an entry in ClinVar:

NM_032043.3(BRIP1):c.627+7A>G

Gene: BRIP1 (BRCA1 interacting DNA helicase 1; minus strand). Cytogenetic location: 17q23.2.
Variant type: single nucleotide variant.
Coding change: c.627+7A>G on transcript NM_032043.3 (MANE Select); 7 bases into the intron after coding-DNA position 627, A replaced by G.
Molecular consequence: intron variant.
Genome position (GRCh38, 1-based): chr17:61,847,094, T>C on the plus strand (A>G on the coding strand, the complement: BRIP1 is on the minus strand). VCF-style: chr17-61847094-T-C. GRCh37 (hg19) VCF-style: chr17-59924455-T-C.
Identifiers: ClinVar variation 414688 (VCV000414688.18), dbSNP rs1060504334, ClinGen allele CA16615518.

ClinVar aggregate classification (germline): Conflicting classifications of pathogenicity. Review status: criteria provided, conflicting classifications (1 of 4 stars). 5 submissions from 5 submitters: Uncertain significance (2); Likely benign (3). Last evaluated 2026-03-04.

Conditions:
Familial cancer of breast. Also called: hereditary breast carcinoma; Hereditary breast cancer; BREAST CANCER, FAMILIAL. Identifiers: Orphanet 227535, MedGen C0346153, MONDO:0016419, OMIM 114480. Disease mechanism: loss of function.
Fanconi anemia complementation group J. Also called: BRIP1-Related Fanconi Anemia. Identifiers: Orphanet 84, MedGen C1836860, MONDO:0012187, OMIM 609054.
Hereditary cancer-predisposing syndrome. Also called: Hereditary neoplastic syndrome; Tumor predisposition; Hereditary Cancer Syndrome; Neoplastic Syndromes, Hereditary. Identifiers: Orphanet 140162, MedGen C0027672, MeSH D009386, MONDO:0015356.

Allele frequency attached by ClinVar (database versions not stated): gnomAD exomes below 0.00001.
gnomAD v4.1: 1 of 1,613,808 alleles (0.000062%); highest among the groups gnomAD compares: Middle Eastern, 0.017%; no homozygotes.

Submissions (5):

Dasa
Classification: Uncertain significance. Last evaluated: 2026-03-04. Review status: criteria provided, single submitter. Criteria: DASA Assertion Criteria. Collection method: clinical testing. Allele origin: germline.
Comment: NM_032043.3(BRIP1):c.627+7A>G is a splice-region variant. This variant is rare in population databases. Computational prediction algorithms are consistent with a benign effect. The currently available literature and clinical evidence are not sufficient to establish a definitive association between this variant and the reported condition. Therefore, this variant is classified as a variant of uncertain significance.

Labcorp Genetics (formerly Invitae), Labcorp
Classification: Likely benign for Familial cancer of breast; Fanconi anemia complementation group J. Last evaluated: 2026-01-19. Review status: criteria provided, single submitter. Criteria: Invitae Variant Classification Sherloc (09022015). Collection method: clinical testing. Allele origin: germline.

Myriad Genetics, Inc.
Classification: Likely benign for Familial cancer of breast. Last evaluated: 2024-08-21. Review status: criteria provided, single submitter. Criteria: Myriad Autosomal Dominant, Autosomal Recessive and X-Linked Classification Criteria (2023). Collection method: clinical testing. Allele origin: unknown.
Comment: This variant is considered likely benign. This variant is intronic and is not expected to impact mRNA splicing.

Sema4
Classification: Uncertain significance for Hereditary cancer-predisposing syndrome. Last evaluated: 2021-07-19. Review status: criteria provided, single submitter. Criteria: Sema4 Curation Guidelines. Collection method: curation. Allele origin: germline.
Comment: The BRIP1 c.627+7A>G variant has not been reported in the literature to our knowledge. This variant was not observed in the large and broad cohorts of the Genome Aggregation Database (PMID: 32461654), but has been reported in ClinVar (Variation ID 414688). In silico tools that predict the effect of sequence changes on splicing suggest this variant does not impact splicing, though these predictions have not been confirmed by functional studies. The overall evidence is insufficient to meet ACMG/AMP criteria for classifying it as benign or pathogenic. In summary, the clinical significance of this variant is currently uncertain.

Color Diagnostics, LLC DBA Color Health
Classification: Likely benign for Hereditary cancer-predisposing syndrome. Last evaluated: 2017-09-26. Review status: criteria provided, single submitter. Criteria: ACMG Guidelines, 2015. Collection method: clinical testing. Allele origin: germline.